The following is an entry in ClinVar:

ClinVar aggregate classification (germline): Uncertain significance (1 of 4 stars; one submission).

Conditions:
Inborn genetic diseases. Identifiers: MedGen C0950123, MeSH D030342.

Submission:

Ambry Genetics
Classification: Uncertain significance for Inborn genetic diseases. Last evaluated: 2025-07-16. Review status: criteria provided, single submitter. Criteria: Ambry Variant Classification Scheme 2023. Collection method: clinical testing. Allele origin: germline.
Comment: The c.2344C>T (p.P782S) alteration is located in exon 8 (coding exon 7) of the WFS1 gene. This alteration results from a C to T substitution at nucleotide position 2344, causing the proline (P) at amino acid position 782 to be replaced by a serine (S). This variant was not reported in population-based cohorts in the Genome Aggregation Database (gnomAD). This amino acid position is well conserved in available vertebrate species. This alteration is predicted to be deleterious by in silico analysis. Based on insufficient or conflicting evidence, the clinical significance of this alteration remains unclear.

NM_006005.3(WFS1):c.2344C>T (p.Pro782Ser)

Gene: WFS1 (wolframin ER transmembrane glycoprotein; plus strand). Cytogenetic location: 4p16.1.
Variant type: single nucleotide variant.
Coding change: c.2344C>T on transcript NM_006005.3 (MANE Select); coding-DNA position 2344, C replaced by T.
Protein change: p.Pro782Ser; replaces proline 782 with serine.
Molecular consequence: missense variant.
Genome position (GRCh38, 1-based): chr4:6,302,139, C>T. VCF-style: chr4-6302139-C-T. GRCh37 (hg19) VCF-style: chr4-6303866-C-T.
Other names: c.2344C>T, p.Pro782Ser (NM_001145853.1); short protein forms P782S.
Identifiers: ClinVar variation 4201391 (VCV004201391.1).